The following is an entry in ClinVar:

NM_000618.5(IGF1):c.*4009G>A

Genes: LINC02456 (long intergenic non-protein coding RNA 2456; plus strand), IGF1 (insulin like growth factor 1; minus strand). Cytogenetic location: 12q23.2.
Variant type: single nucleotide variant.
Coding change: c.*4009G>A on transcript NM_000618.5 (MANE Select); 4009 bases downstream of the stop codon, G replaced by A.
Molecular consequence: 3 prime UTR variant.
Genome position (GRCh38, 1-based): chr12:102,398,498, C>T on the plus strand (G>A on the coding strand, the complement: IGF1 is on the minus strand). VCF-style: chr12-102398498-C-T. GRCh37 (hg19) VCF-style: chr12-102792276-C-T.
Other names: c.*4043G>A (NM_001111283.3); c.*4009G>A (NM_001111284.2).
Identifiers: ClinVar variation 882981 (VCV000882981.4), dbSNP rs5742707, ClinGen allele CA242629256.

ClinVar aggregate classification (germline): Benign (1 of 4 stars; one submission).

Conditions:
Growth delay due to insulin-like growth factor type 1 deficiency (IGF1D). Also called: GROWTH RETARDATION WITH SENSORINEURAL DEAFNESS AND MENTAL RETARDATION; IGF1 DEFICIENCY. Identifiers: Orphanet 73272, MedGen C1837475, MONDO:0012110, OMIM 608747.

Allele frequency attached by ClinVar (database versions not stated): gnomAD 0.00488 and 0.00527; 1000 Genomes Project 0.00539; TOPMed 0.00547; 1000 Genomes Project 30x 0.00609.

Submission:

Illumina Laboratory Services, Illumina
Classification: Benign for Growth delay due to insulin-like growth factor type 1 deficiency. Last evaluated: 2018-01-13. Review status: criteria provided, single submitter. Criteria: ICSL Variant Classification Criteria 13 December 2019. Collection method: clinical testing. Allele origin: germline.
Comment: This variant was observed in the ICSL laboratory as part of a predisposition screen in an ostensibly healthy population. It had not been previously curated by ICSL or reported in the Human Gene Mutation Database (HGMD: prior to June 1st, 2018), and was therefore a candidate for classification through an automated scoring system. Utilizing variant allele frequency, disease prevalence and penetrance estimates, and inheritance mode, an automated score was calculated to assess if this variant is too frequent to cause the disease. Based on the score and internal cut-off values, a variant classified as benign is not then subjected to further curation. The score for this variant resulted in a classification of benign for this disease.